The following is an entry in ClinVar:

NM_004667.6(HERC2):c.7729G>A (p.Val2577Ile)

Gene: HERC2 (HECT and RLD domain containing E3 ubiquitin protein ligase 2; minus strand). Cytogenetic location: 15q13.1.
Variant type: single nucleotide variant.
Coding change: c.7729G>A on transcript NM_004667.6 (MANE Select); coding-DNA position 7729, G replaced by A.
Protein change: p.Val2577Ile; replaces valine 2577 with isoleucine.
Molecular consequence: missense variant.
Genome position (GRCh38, 1-based): chr15:28,198,757, C>T on the plus strand (G>A on the coding strand, the complement: HERC2 is on the minus strand). VCF-style: chr15-28198757-C-T. GRCh37 (hg19) VCF-style: chr15-28443903-C-T.
Other names: short protein forms V2577I.
Identifiers: ClinVar variation 235205 (VCV000235205.5), dbSNP rs146366728, ClinGen allele CA7441670.

ClinVar aggregate classification (germline): Uncertain significance. Review status: criteria provided, multiple submitters, no conflicts (2 of 4 stars). 4 submissions from 4 submitters: Uncertain significance (2). 2 of the submissions do not count toward it. Last evaluated 2016-04-25.

Conditions:
SKIN/HAIR/EYE PIGMENTATION 1, BLUE/NONBLUE EYES (SHEP1). Also called: SKIN/HAIR/EYE PIGMENTATION 1, BLUE/BROWN EYES; EYE COLOR 3; EYE COLOR, BLUE/NONBLUE; EYE COLOR, BROWN/BLUE; HAIR COLOR 3; BROWN EYE COLOR 2. Identifiers: MedGen C1856895, OMIM 227220.

Allele frequency attached by ClinVar (database versions not stated): gnomAD exomes 0.00011 and 0.00034; ExAC 0.00041; gnomAD 0.00114 and 0.00121; TOPMed 0.00134; 1000 Genomes Project 30x 0.00156; 1000 Genomes Project 0.00160; ESP Exome Variant Server 0.00169.
gnomAD v4.1: 347 of 1,611,608 alleles (0.022%); highest among the groups gnomAD compares: African/African-American, 0.39%; 3 homozygotes.

Submissions (4):

Center for Pediatric Genomic Medicine, Children's Mercy Hospital and Clinics
Classification: Uncertain significance. Last evaluated: 2016-04-25. Review status: criteria provided, single submitter. Criteria: ACMG Guidelines, 2015. Collection method: clinical testing. Allele origin: germline.
ClinVar note: Converted during submission from Uncertain Significance to Uncertain significance.

Breakthrough Genomics
Classification: Uncertain significance. Review status: criteria provided, single submitter. Criteria: ACMG Guidelines, 2015. Collection method: not provided. Allele origin: germline. Inheritance: Autosomal recessive inheritance. Affected: yes.

Clinical Genetics DNA and cytogenetics Diagnostics Lab, Erasmus MC, Erasmus Medical Center
Classification: Uncertain significance. Review status: no assertion criteria provided. Collection method: clinical testing. Allele origin: germline. Affected: yes. Study: VKGL Data-share Consensus. Not counted in ClinVar's aggregate classification.

Diagnostic Laboratory, Department of Genetics, University Medical Center Groningen
Classification: Uncertain significance for SKIN/HAIR/EYE PIGMENTATION 1, BLUE/NONBLUE EYES. Review status: no assertion criteria provided. Collection method: clinical testing. Allele origin: germline. Affected: yes. Study: VKGL Data-share Consensus. Not counted in ClinVar's aggregate classification.